The following is an entry in ClinVar:

ClinVar aggregate classification (germline): Uncertain significance. Review status: criteria provided, multiple submitters, no conflicts (2 of 4 stars). 2 submissions from 2 submitters: Uncertain significance (2). Last evaluated 2025-08-25.

Conditions:
Inborn genetic diseases. Identifiers: MedGen C0950123, MeSH D030342.

Allele frequency attached by ClinVar (database versions not stated): gnomAD exomes below 0.00001; ExAC 0.00001; TOPMed 0.00003; gnomAD 0.00004.

Submissions (2):

Ambry Genetics
Classification: Uncertain significance for Inborn genetic diseases. Last evaluated: 2025-08-25. Review status: criteria provided, single submitter. Criteria: Ambry Variant Classification Scheme 2023. Collection method: clinical testing. Allele origin: germline.

Labcorp Genetics (formerly Invitae), Labcorp
Classification: Uncertain significance. Last evaluated: 2022-11-01. Review status: criteria provided, single submitter. Criteria: Invitae Variant Classification Sherloc (09022015). Collection method: clinical testing. Allele origin: germline.
Comment: In summary, the available evidence is currently insufficient to determine the role of this variant in disease. Therefore, it has been classified as a Variant of Uncertain Significance. This sequence change replaces threonine, which is neutral and polar, with isoleucine, which is neutral and non-polar, at codon 209 of the RNASEH1 protein (p.Thr209Ile). This variant is present in population databases (rs765316369, gnomAD 0.01%). This variant has not been reported in the literature in individuals affected with RNASEH1-related conditions. Advanced modeling of protein sequence and biophysical properties (such as structural, functional, and spatial information, amino acid conservation, physicochemical variation, residue mobility, and thermodynamic stability) performed at Invitae indicates that this missense variant is expected to disrupt RNASEH1 protein function.

NM_002936.6(RNASEH1):c.626C>T (p.Thr209Ile)

Gene: RNASEH1 (ribonuclease H1; minus strand). Cytogenetic location: 2p25.3.
Variant type: single nucleotide variant.
Coding change: c.626C>T on transcript NM_002936.6 (MANE Select); coding-DNA position 626, C replaced by T.
Protein change: p.Thr209Ile; replaces threonine 209 with isoleucine.
Molecular consequence: missense variant. On other transcripts: non-coding transcript variant (7).
Genome position (GRCh38, 1-based): chr2:3,548,663, G>A on the plus strand (C>T on the coding strand, the complement: RNASEH1 is on the minus strand). VCF-style: chr2-3548663-G-A. GRCh37 (hg19) VCF-style: chr2-3596253-G-A.
Other names: c.548C>T, p.Thr183Ile (NM_001286834.3); c.275C>T, p.Thr92Ile (NM_001286837.3); c.626C>T, p.Thr209Ile (NM_001378271.1); c.623C>T, p.Thr208Ile (NM_001378272.1); c.611C>T, p.Thr204Ile (NM_001378273.1); c.626C>T (NM_002936.3); short protein forms T209I, T183I, T92I, T204I, T208I.
Identifiers: ClinVar variation 2184363 (VCV002184363.5), dbSNP rs765316369, ClinGen allele CA1516182.